The following is an entry in ClinVar:

NM_014314.4(RIGI):c.738C>A (p.Tyr246Ter)

Gene: RIGI (RNA sensor RIG-I; minus strand). Cytogenetic location: 9p21.1.
Variant type: single nucleotide variant.
Coding change: c.738C>A on transcript NM_014314.4 (MANE Select); coding-DNA position 738, C replaced by A.
Protein change: p.Tyr246Ter; replaces tyrosine 246 with a stop codon.
Molecular consequence: nonsense.
Genome position (GRCh38, 1-based): chr9:32,489,405, G>T on the plus strand (C>A on the coding strand, the complement: RIGI is on the minus strand). VCF-style: chr9-32489405-G-T. GRCh37 (hg19) VCF-style: chr9-32489403-G-T.
Other names: c.738C>A, p.Tyr246Ter (NM_001385907.1, NM_001385909.1); c.297C>A, p.Tyr99Ter (NM_001385910.1); c.129C>A, p.Tyr43Ter (NM_001385912.1); c.723C>A, p.Tyr241Ter (NM_001385913.1); c.294C>A, p.Tyr98Ter (NM_001385914.1); short protein forms Y241*, Y98*, Y43*, Y99*, Y246*.
Identifiers: ClinVar variation 1971854 (VCV001971854.5), dbSNP rs1185880252, ClinGen allele CA373159208.

ClinVar aggregate classification (germline): Uncertain significance (1 of 4 stars; one submission).

Allele frequency attached by ClinVar (database versions not stated): TOPMed below 0.00001; gnomAD exomes 0.00001.
gnomAD v4.1: 10 of 1,613,364 alleles (0.00062%); highest among the groups gnomAD compares: African/African-American, 0.0027%; no homozygotes.

Submission:

Labcorp Genetics (formerly Invitae), Labcorp
Classification: Uncertain significance. Last evaluated: 2022-06-07. Review status: criteria provided, single submitter. Criteria: Invitae Variant Classification Sherloc (09022015). Collection method: clinical testing. Allele origin: germline.
Comment: This variant is not present in population databases (gnomAD no frequency). In summary, the available evidence is currently insufficient to determine the role of this variant in disease. Therefore, it has been classified as a Variant of Uncertain Significance. This variant has not been reported in the literature in individuals affected with DDX58-related conditions. This sequence change creates a premature translational stop signal (p.Tyr246*) in the DDX58 gene. It is expected to result in an absent or disrupted protein product. However, the current clinical and genetic evidence is not sufficient to establish whether loss-of-function variants in DDX58 cause disease.